The following is an entry in ClinVar:

NM_001145678.3(KIAA0825):c.3457-2A>C

Gene: KIAA0825 (KIAA0825; minus strand). Cytogenetic location: 5q15.
Variant type: single nucleotide variant.
Coding change: c.3457-2A>C on transcript NM_001145678.3 (MANE Select); the canonical splice acceptor site of the intron before coding-DNA position 3457, A replaced by C.
Molecular consequence: splice acceptor variant.
Genome position (GRCh38, 1-based): chr5:94,386,406, T>G on the plus strand (A>C on the coding strand, the complement: KIAA0825 is on the minus strand). VCF-style: chr5-94386406-T-G. GRCh37 (hg19) VCF-style: chr5-93722111-T-G.
Other names: NC_000005.9:g.93722111T>G; c.3472-2A>C (NM_001388325.1, NM_001385712.1, NM_001385713.1); c.3457-2A>C (NM_001145678.1).
Identifiers: ClinVar variation 4319022 (VCV004319022.2).

ClinVar aggregate classification (germline): Uncertain significance (1 of 4 stars; one submission).

Conditions:
KIAA0825-related disorder. Also called: KIAA0825-related condition.

gnomAD v4.1: 96 of 1,542,162 alleles (0.0062%); highest among the groups gnomAD compares: Non-Finnish European, 0.008%; no homozygotes.

Submissions (3):

PreventionGenetics, part of Exact Sciences
Classification: Uncertain significance for KIAA0825-related condition. Last evaluated: 2026-03-04. Review status: criteria provided, single submitter. Criteria: ACMG Guidelines, 2015. Collection method: clinical testing. Allele origin: germline.
Comment: The KIAA0825 c.3457-2A>C variant is predicted to disrupt the AG splice acceptor site and interfere with normal splicing. To our knowledge, this variant has not been reported in the literature. This variant is reported in 0.016% of alleles in individuals of European (Non-Finnish) descent in gnomAD. Truncating variants in KIAA0825 are not currently known to be pathogenic. At this time, the clinical significance of this variant is uncertain due to the absence of conclusive functional and genetic evidence.

Dr. Peter K. Rogan Lab, Western University
No classification provided (evidence only). Condition: Familial cancer of breast. Review status: no classification provided. Collection method: in vitro. Allele origin: not applicable. Functional consequence: retained intron. Not counted in ClinVar's aggregate classification.

Dr. Peter K. Rogan Lab, Western University
No classification provided (evidence only). Condition: Nonpapillary renal cell carcinoma. Review status: no classification provided. Collection method: in vitro. Allele origin: not applicable. Functional consequence: retained intron. Not counted in ClinVar's aggregate classification.